The following is an entry in ClinVar:

NM_004446.3(EPRS1):c.2702C>T (p.Ala901Val)

Gene: EPRS1 (glutamyl-prolyl-tRNA synthetase 1; minus strand). Cytogenetic location: 1q41.
Variant type: single nucleotide variant.
Coding change: c.2702C>T on transcript NM_004446.3 (MANE Select); coding-DNA position 2702, C replaced by T.
Protein change: p.Ala901Val; replaces alanine 901 with valine.
Molecular consequence: missense variant.
Genome position (GRCh38, 1-based): chr1:219,988,663, G>A on the plus strand (C>T on the coding strand, the complement: EPRS1 is on the minus strand). VCF-style: chr1-219988663-G-A. GRCh37 (hg19) VCF-style: chr1-220162005-G-A.
Other names: short protein forms A901V.
Identifiers: ClinVar variation 1028242 (VCV001028242.3), dbSNP rs202017759, ClinGen allele CA1399906.

ClinVar aggregate classification (germline): Uncertain significance. Review status: criteria provided, multiple submitters, no conflicts (2 of 4 stars). 2 submissions from 2 submitters: Uncertain significance (2). Last evaluated 2022-10-13.

Conditions:
Leukodystrophy, hypomyelinating, 15. Identifiers: MedGen C4693733, MONDO:0054782, OMIM 617951.

Allele frequency attached by ClinVar (database versions not stated): gnomAD 0.00001; ExAC 0.00004; gnomAD exomes 0.00004 and 0.00006; TOPMed 0.00004.
gnomAD v4.1: 60 of 1,613,750 alleles (0.0037%); highest among the groups gnomAD compares: Admixed American, 0.022%; no homozygotes.

Submissions (2):

Labcorp Genetics (formerly Invitae), Labcorp
Classification: Uncertain significance. Last evaluated: 2022-10-13. Review status: criteria provided, single submitter. Criteria: Invitae Variant Classification Sherloc (09022015). Collection method: clinical testing. Allele origin: germline.
Comment: ClinVar contains an entry for this variant (Variation ID: 1028242). This variant has not been reported in the literature in individuals affected with EPRS-related conditions. This variant is present in population databases (rs202017759, gnomAD 0.04%). This sequence change replaces alanine, which is neutral and non-polar, with valine, which is neutral and non-polar, at codon 901 of the EPRS protein (p.Ala901Val). Algorithms developed to predict the effect of missense changes on protein structure and function (SIFT, PolyPhen-2, Align-GVGD) all suggest that this variant is likely to be tolerated. In summary, the available evidence is currently insufficient to determine the role of this variant in disease. Therefore, it has been classified as a Variant of Uncertain Significance.

Baylor Genetics
Classification: Uncertain significance for Leukodystrophy, hypomyelinating, 15. Last evaluated: 2019-09-30. Review status: criteria provided, single submitter. Criteria: ACMG Guidelines, 2015. Collection method: clinical testing. Allele origin: unknown. Affected: yes.
Comment: This variant was determined to be of uncertain significance according to ACMG Guidelines, 2015 [PMID:25741868].